The following is an entry in ClinVar:

NM_145290.4(ADGRA3):c.2396T>G (p.Val799Gly)

Gene: ADGRA3 (adhesion G protein-coupled receptor A3; minus strand). Cytogenetic location: 4p15.2.
Variant type: single nucleotide variant.
Coding change: c.2396T>G on transcript NM_145290.4 (MANE Select); coding-DNA position 2396, T replaced by G.
Protein change: p.Val799Gly; replaces valine 799 with glycine.
Molecular consequence: missense variant.
Genome position (GRCh38, 1-based): chr4:22,401,516, A>C on the plus strand (T>G on the coding strand, the complement: ADGRA3 is on the minus strand). VCF-style: chr4-22401516-A-C. GRCh37 (hg19) VCF-style: chr4-22403139-A-C.
Other names: c.2396T>G (NM_145290.2); short protein forms V799G.
Identifiers: ClinVar variation 1507665 (VCV001507665.9), dbSNP rs375478986, ClinGen allele CA2873642.
Genomic context (GRCh38, chr4:22,401,516, plus strand): 5'-GTCTGGGTTATTCCTCCCACAAAGACCACACAGGTTAGGAAAATATGAAAGCACAAGTTC[A>C]CAAGCATGTGCCAGCTCTTGAGGCTGATTCTAATCAAACTGTTTAAAAAAGAGAGAAAAT-3'
Protein context (NP_660333.2, residues 789-809): RISLKSWHML[Val799Gly]NLCFHIFLTC

ClinVar aggregate classification (germline): Uncertain significance. Review status: criteria provided, multiple submitters, no conflicts (2 of 4 stars). 2 submissions from 2 submitters: Uncertain significance (2). Last evaluated 2025-05-15.

Allele frequency attached by ClinVar (database versions not stated): gnomAD exomes 0.00001 and 0.00002; ExAC 0.00003; ESP Exome Variant Server 0.00008; gnomAD 0.00008 and 0.00009; TOPMed 0.00009; 1000 Genomes Project 0.00020; 1000 Genomes Project 30x 0.00031.
gnomAD v4.1: 26 of 1,609,928 alleles (0.0016%); highest among the groups gnomAD compares: African/African-American, 0.031%; no homozygotes.

Submissions (2):

Labcorp Genetics (formerly Invitae), Labcorp
Classification: Uncertain significance. Last evaluated: 2025-05-15. Review status: criteria provided, single submitter. Criteria: Invitae Variant Classification Sherloc (09022015). Collection method: clinical testing. Allele origin: germline.
Comment: This sequence change replaces valine, which is neutral and non-polar, with glycine, which is neutral and non-polar, at codon 799 of the ADGRA3 protein (p.Val799Gly). This variant is present in population databases (rs375478986, gnomAD 0.03%). This variant has not been reported in the literature in individuals affected with ADGRA3-related conditions. ClinVar contains an entry for this variant (Variation ID: 1507665). An algorithm developed to predict the effect of missense changes on protein structure and function (PolyPhen-2) suggests that this variant is likely to be disruptive. In summary, the available evidence is currently insufficient to determine the role of this variant in disease. Therefore, it has been classified as a Variant of Uncertain Significance.

Ambry Genetics
Classification: Uncertain significance. Last evaluated: 2025-05-06. Review status: criteria provided, single submitter. Criteria: Ambry Variant Classification Scheme 2023. Collection method: clinical testing. Allele origin: germline.